The following is an entry in ClinVar:

NC_000011.9:g.(?_108151710)_(108192157_?)dup

Gene: ATM (ATM serine/threonine kinase; plus strand). Cytogenetic location: 11q22.3.
Variant type: Duplication.
Identifiers: ClinVar variation 1067119 (VCV001067119.5).

ClinVar aggregate classification (germline): Likely pathogenic (1 of 4 stars; one submission).

Conditions:
Ataxia-telangiectasia syndrome (AT). Also called: LOUIS-BAR SYNDROME; Ataxia-telangiectasia, complementation group D; AT, COMPLEMENTATION GROUP C; Cerebello-oculocutaneous telangiectasia; Immunodeficiency with ataxia telangiectasia; ATAXIA-TELANGIECTASIA, COMPLEMENTATION GROUP A. Identifiers: Orphanet 100, MedGen C0004135, MONDO:0008840, OMIM 208900.

Submission:

Labcorp Genetics (formerly Invitae), Labcorp
Classification: Likely pathogenic for Ataxia-telangiectasia syndrome. Last evaluated: 2020-02-02. Review status: criteria provided, single submitter. Criteria: Invitae Variant Classification Sherloc (09022015). Collection method: clinical testing. Allele origin: germline.
Comment: In summary, the currently available evidence indicates that the variant is pathogenic, but additional data are needed to prove that conclusively. Therefore, this variant has been classified as Likely Pathogenic. Loss-of-function variants in ATM are known to be pathogenic (PMID: 23807571, 25614872). This variant has not been reported in the literature in individuals with ATM-related conditions. This variant results in a copy number gain of the genomic region encompassing exons 24-45 of the ATM gene. While the exact position of this variant cannot be determined from this data, sub-genic copy number gains are generally in tandem (PMID: 25640679) and may result in an absent or disrupted protein product.

Literature cited by the submitters: PubMed 23807571; PubMed 25614872; PubMed 25640679.